The following is an entry in ClinVar:

NM_001370259.2(MEN1):c.1429G>T (p.Glu477Ter)

Gene: MEN1 (menin 1; minus strand). Cytogenetic location: 11q13.1.
Variant type: single nucleotide variant.
Coding change: c.1429G>T on transcript NM_001370259.2 (MANE Select); coding-DNA position 1429, G replaced by T.
Protein change: p.Glu477Ter; replaces glutamic acid 477 with a stop codon.
Molecular consequence: nonsense.
Genome position (GRCh38, 1-based): chr11:64,804,738, C>A on the plus strand (G>T on the coding strand, the complement: MEN1 is on the minus strand). VCF-style: chr11-64804738-C-A. GRCh37 (hg19) VCF-style: chr11-64572210-C-A.
Other names: c.1444G>T, p.Glu482Ter (NM_000244.4, NM_130800.3, NM_130801.3 and 3 more transcripts); c.1555G>T, p.Glu519Ter (NM_001370251.2); c.1429G>T, p.Glu477Ter (NM_001370260.2, NM_001370261.2, NM_130799.3); c.1324G>T, p.Glu442Ter (NM_001370262.2, NM_001370263.2); short protein forms E477*, E482*, E519*, E442*.
Identifiers: ClinVar variation 216133 (VCV000216133.33), dbSNP rs863224526, ClinGen allele CA337615.

ClinVar aggregate classification (germline): Pathogenic. Review status: criteria provided, multiple submitters, no conflicts (2 of 4 stars). 8 submissions from 8 submitters: Pathogenic (8). Last evaluated 2026-01-21.

Conditions:
Hereditary cancer-predisposing syndrome. Also called: Tumor predisposition; Hereditary Cancer Syndrome; Neoplastic Syndromes, Hereditary; Hereditary neoplastic syndrome. Identifiers: Orphanet 140162, MedGen C0027672, MeSH D009386, MONDO:0015356.
Multiple endocrine neoplasia, type 1 (MEN1). Also called: Endocrine adenomatosis multiple; MEN 1; MEN I; WERMER SYNDROME; MEA I. Identifiers: Orphanet 652, MedGen C0025267, MeSH D018761, MONDO:0007540, OMIM 131100.

Submissions (8):

Labcorp Genetics (formerly Invitae), Labcorp
Classification: Pathogenic for Multiple endocrine neoplasia, type 1. Last evaluated: 2026-01-21. Review status: criteria provided, single submitter. Criteria: Invitae Variant Classification Sherloc (09022015). Collection method: clinical testing. Allele origin: germline.
Comment: This sequence change creates a premature translational stop signal (p.Glu477*) in the MEN1 gene. While this is not anticipated to result in nonsense mediated decay, it is expected to disrupt the last 134 amino acid(s) of the MEN1 protein. This variant is not present in population databases (gnomAD no frequency). This premature translational stop signal has been observed in individual(s) with multiple endocrine neoplasia 1 (MEN1) (PMID: 12049533, 15714081). It has also been observed to segregate with disease in related individuals. Invitae Evidence Modeling of clinical and family history, age, sex, and reported ancestry of multiple individuals with this MEN1 variant has been performed. This variant is expected to be pathogenic with a positive predictive value of at least 99%. This is a validated machine learning model that incorporates the clinical features of 1,366,787 individuals referred to our laboratory for MEN1 testing. ClinVar contains an entry for this variant (Variation ID: 216133). RNA analysis performed to evaluate the impact of this premature translational stop signal on mRNA splicing indicates it does not significantly alter splicing (internal data). This variant disrupts the NLS2 domain of the MEN1 protein, which is important for DNA binding and repression of cell proliferation (PMID: 15331604, 16449969). While functional studies have not been performed to directly test the effect of this variant on MEN1 protein function, this suggests that disruption of this region of the protein is causative of disease. For these reasons, this variant has been classified as Pathogenic.

ARUP Laboratories, Molecular Genetics and Genomics, ARUP Laboratories
Classification: Pathogenic. Last evaluated: 2023-05-05. Review status: criteria provided, single submitter. Criteria: ARUP Molecular Germline Variant Investigation Process 2024. Collection method: clinical testing. Allele origin: germline.
Comment: The MEN1 c.1429G>T; p.Glu477Ter variant (rs863224526) is reported in the medical literature in individuals and families with a clinical diagnosis of multiple endocrine neoplasia type 1 (Dackiw 1999, Klein 2005, Kouvaraki 2002). The variant is described as pathogenic in the ClinVar database (Variation ID: 216133) and is absent from the Genome Aggregation Database, indicating it is not a common polymorphism. This variant results in a premature termination codon in the last exon of the MEN1 gene. While this may not lead to nonsense-mediated decay, it is expected to create a truncated protein. Considering available information, this variant is classified as pathogenic. References: Dackiw AP et al. Screening for MEN1 mutations in patients with atypical endocrine neoplasia. Surgery. 1999 Dec;126(6):1097-103. PMID: 10598193. Klein RD et al. Clinical testing for multiple endocrine neoplasia type 1 in a DNA diagnostic laboratory. Genet Med. 2005 Feb;7(2):131-8. PMID: 15714081. Kouvaraki MA et al. Genotype-phenotype analysis in multiple endocrine neoplasia type 1. Arch Surg. 2002 Jun;137(6):641-7. PMID: 12049533.

Myriad Genetics, Inc.
Classification: Pathogenic for Multiple endocrine neoplasia, type 1. Last evaluated: 2023-02-07. Review status: criteria provided, single submitter. Criteria: Myriad Autosomal Dominant, Autosomal Recessive and X-Linked Classification Criteria (2023). Collection method: clinical testing. Allele origin: unknown.
Comment: This variant is considered pathogenic. This variant creates a termination codon and is predicted to result in premature protein truncation.

Women's Health and Genetics/Laboratory Corporation of America, LabCorp
Classification: Pathogenic for Multiple endocrine neoplasia, type 1. Last evaluated: 2022-05-23. Review status: criteria provided, single submitter. Criteria: LabCorp Variant Classification Summary - May 2015. Collection method: clinical testing. Allele origin: germline.
Comment: Variant summary: MEN1 c.1429G>T (p.Glu477X) results in a premature termination codon, predicted to cause a truncation of the encoded protein or absence of the protein due to nonsense mediated decay, which are commonly known mechanisms for disease. Truncations downstream of this position have been classified as pathogenic by our laboratory. The variant was absent in 225462 control chromosomes. c.1429G>T has been reported in the literature in multiple individuals affected with Multiple Endocrine Neoplasia Type 1 (eg. Cote_1998, Dackiw_1999, Klein_2005, Kouvaraki_2002, etc). Four clinical diagnostic laboratories have submitted clinical-significance assessments for this variant to ClinVar after 2014 without evidence for independent evaluation. All laboratories classified the variant as pathogenic. Based on the evidence outlined above, the variant was classified as pathogenic.

Ambry Genetics
Classification: Pathogenic for Hereditary cancer-predisposing syndrome. Last evaluated: 2022-05-06. Review status: criteria provided, single submitter. Criteria: Ambry Variant Classification Scheme 2023. Collection method: clinical testing. Allele origin: germline.
Comment: The p.E477* pathogenic mutation (also known as c.1429G>T), located in coding exon 9 of the MEN1 gene, results from a G to T substitution at nucleotide position 1429. This changes the amino acid from a glutamic acid to a stop codon within coding exon 9. This alteration occurs at the 3' terminus of theMEN1 gene, is not expected to trigger nonsense-mediated mRNA decay, and impacts the last 134 amino acids of the protein. However, premature stop codons are typically deleterious in nature and a significant portion of the protein is affected (Ambry internal data). This mutation has been detected in seven affected members of one family (Kouvaraki MA et al. Arch Surg. 2002 Jun;137(6):641-7). In addition to the clinical data presented in the literature, this variant is considered to be rare based on population cohorts in the Genome Aggregation Database (gnomAD). As such, this alteration is interpreted as a disease-causing mutation.

GeneDx
Classification: Pathogenic. Last evaluated: 2022-04-14. Review status: criteria provided, single submitter. Criteria: GeneDx Variant Classification Process June 2021. Collection method: clinical testing. Allele origin: germline. Affected: yes.
Comment: Nonsense variant predicted to result in protein truncation in a gene for which loss-of-function is a known mechanism of disease; Not observed in large population cohorts (gnomAD); Identified in patients with multiple endocrine neoplasia type 1 referred for genetic testing at this laboratory and in published literature (Cote 1998, Dackiw 1999, Kouvaraki 2002, Klein 2005); This variant is associated with the following publications: (PMID: 15714081, 17879353, 12049533, 10660339, 10598193, 15281352)

Quest Diagnostics Nichols Institute San Juan Capistrano
Classification: Pathogenic. Last evaluated: 2021-07-28. Review status: criteria provided, single submitter. Criteria: Quest Diagnostics criteria. Collection method: clinical testing. Allele origin: unknown.
Comment: This nonsense variant causes the premature termination of MEN1 protein synthesis. In addition, it has been reported in symptomatic individuals with multiple endocrine neoplasia 1 in the published literature (PMIDs: 12049533 (2002) and 15714081 (2005)). Therefore, the variant is classified as pathogenic.

Revvity Omics, Revvity
Classification: Pathogenic for Multiple endocrine neoplasia, type 1. Last evaluated: 2019-08-28. Review status: criteria provided, single submitter. Criteria: ACMG Guidelines, 2015. Collection method: clinical testing. Allele origin: germline.

Literature cited by the submitters: PubMed 12049533 (cited by 4 submitters); PubMed 15714081 (cited by 3 submitters); PubMed 15331604 (cited by Labcorp Genetics (formerly Invitae), Labcorp); PubMed 16449969 (cited by Labcorp Genetics (formerly Invitae), Labcorp); PubMed 10598193 (cited by Women's Health and Genetics/Laboratory Corporation of America, LabCorp); PubMed 10660339 (cited by Women's Health and Genetics/Laboratory Corporation of America, LabCorp).